The following is an entry in ClinVar:

ClinVar aggregate classification (germline): Uncertain significance. Review status: criteria provided, multiple submitters, no conflicts (2 of 4 stars). 2 submissions from 2 submitters: Uncertain significance (2). Last evaluated 2025-07-02.

Conditions:
Hereditary cancer-predisposing syndrome. Also called: Hereditary Cancer Syndrome; Hereditary neoplastic syndrome; Tumor predisposition; Neoplastic Syndromes, Hereditary. Identifiers: Orphanet 140162, MedGen C0027672, MeSH D009386, MONDO:0015356.
Multiple endocrine neoplasia, type 1 (MEN1). Also called: MEN I; WERMER SYNDROME; Endocrine adenomatosis multiple; MEN 1; MEA I. Identifiers: Orphanet 652, MedGen C0025267, MeSH D018761, MONDO:0007540, OMIM 131100.

Submissions (2):

Ambry Genetics
Classification: Uncertain significance for Hereditary cancer-predisposing syndrome. Last evaluated: 2025-07-02. Review status: criteria provided, single submitter. Criteria: Ambry Variant Classification Scheme 2023. Collection method: clinical testing. Allele origin: germline.
Comment: The p.A325D variant (also known as c.974C>A), located in coding exon 6 of the MEN1 gene, results from a C to A substitution at nucleotide position 974. The alanine at codon 325 is replaced by aspartic acid, an amino acid with dissimilar properties. This amino acid position is highly conserved in available vertebrate species. In addition, this alteration is predicted to be deleterious by in silico analysis. Based on the available evidence, the clinical significance of this variant remains unclear.

Labcorp Genetics (formerly Invitae), Labcorp
Classification: Uncertain significance for Multiple endocrine neoplasia, type 1. Last evaluated: 2018-11-21. Review status: criteria provided, single submitter. Criteria: Invitae Variant Classification Sherloc (09022015). Collection method: clinical testing. Allele origin: germline.
Comment: This variant is not present in population databases (ExAC no frequency) and has not been reported in the literature in individuals with a MEN1-related disease. This sequence change replaces alanine with aspartic acid at codon 325 of the MEN1 protein (p.Ala325Asp). The alanine residue is highly conserved and there is a moderate physicochemical difference between alanine and aspartic acid. Algorithms developed to predict the effect of missense changes on protein structure and function do not agree on the potential impact of this missense change (SIFT: "Deleterious"; PolyPhen-2: "Benign"; Align-GVGD: "Class C15"). In summary, this variant is a novel missense change with uncertain impact on protein function. It has been classified as a Variant of Uncertain Significance.

NM_001370259.2(MEN1):c.974C>A (p.Ala325Asp)

Gene: MEN1 (menin 1; minus strand). Cytogenetic location: 11q13.1.
Variant type: single nucleotide variant.
Coding change: c.974C>A on transcript NM_001370259.2 (MANE Select); coding-DNA position 974, C replaced by A.
Protein change: p.Ala325Asp; replaces alanine 325 with aspartic acid.
Molecular consequence: missense variant.
Genome position (GRCh38, 1-based): chr11:64,806,307, G>T on the plus strand (C>A on the coding strand, the complement: MEN1 is on the minus strand). VCF-style: chr11-64806307-G-T. GRCh37 (hg19) VCF-style: chr11-64573779-G-T.
Other names: c.989C>A, p.Ala330Asp (NM_000244.4, NM_130800.3, NM_130801.3 and 3 more transcripts); c.974C>A, p.Ala325Asp (NM_001370251.2, NM_001370260.2, NM_001370261.2 and 1 more transcripts); c.869C>A, p.Ala290Asp (NM_001370262.2, NM_001370263.2); short protein forms A325D, A330D, A290D.
Identifiers: ClinVar variation 457349 (VCV000457349.10), dbSNP rs370840265, ClinGen allele CA381183329.